The following is an entry in ClinVar:

ClinVar aggregate classification (germline): Benign (1 of 4 stars; one submission).

Conditions:
Cardiomyopathy (CMYO). Also called: Cardiomyopathies. Identifiers: Orphanet 167848, MedGen C0878544, MONDO:0004994, HP:0001638. Inheritance: Various modes of inheritance.

Submission:

GeneDx
Classification: Benign for Cardiomyopathy. Last evaluated: 2012-12-27. Review status: criteria provided, single submitter. Criteria: GeneDx Variant Classification (06012015). Collection method: clinical testing. Allele origin: germline. Affected: yes.
Comment: The variant is found in HCM panel(s).

NM_005159.5(ACTC1):c.129+17del

Genes: ACTC1 (actin alpha cardiac muscle 1; minus strand), GJD2-DT (GJD2 divergent transcript; plus strand). Cytogenetic location: 15q14.
Variant type: Deletion.
Coding change: c.129+17del on transcript NM_005159.5 (MANE Select); 17 bases into the intron after coding-DNA position 129, one base deleted (G; older notation c.129+17delG).
Molecular consequence: intron variant.
Genome position (GRCh38, 1-based): chr15:34,794,663, C deleted on the plus strand (G on the coding strand, the reverse complement: ACTC1 is on the minus strand). VCF-style (leftmost placement, unchanged base first): chr15-34794662-GC-G. GRCh37 (hg19) VCF-style: chr15-35086863-GC-G.
Other names: c.129+17del (LRG_388t1).
Identifiers: ClinVar variation 180749 (VCV000180749.1), dbSNP rs730880386, ClinGen allele CA019656.